The following is an entry in ClinVar:

ClinVar aggregate classification (germline): Likely benign. Review status: criteria provided, multiple submitters, no conflicts (2 of 4 stars). 6 submissions from 6 submitters: Likely benign (6). Last evaluated 2026-04-21.

Conditions:
NTHL1-related disorder. Also called: NTHL1-related condition; NTHL1-related conditions.
Hereditary cancer-predisposing syndrome. Also called: Hereditary neoplastic syndrome; Neoplastic Syndromes, Hereditary; Hereditary Cancer Syndrome; Tumor predisposition. Identifiers: Orphanet 140162, MedGen C0027672, MeSH D009386, MONDO:0015356.

Allele frequency attached by ClinVar (database versions not stated): gnomAD 0.00001 and 0.00006; TOPMed 0.00001; gnomAD exomes 0.00002 and 0.00011; ExAC 0.00003; 1000 Genomes Project 30x 0.00031; 1000 Genomes Project 0.00040.
gnomAD v4.1: 166 of 1,610,530 alleles (0.01%); highest among the groups gnomAD compares: East Asian, 0.36%; 2 homozygotes.

Submissions (6):

PreventionGenetics, part of Exact Sciences
Classification: Likely benign for NTHL1-related condition. Last evaluated: 2026-04-21. Review status: criteria provided, single submitter. Criteria: ACMG Guidelines, 2015. Collection method: clinical testing. Allele origin: germline.
Comment: This variant is classified as likely benign based on ACMG/AMP sequence variant interpretation guidelines (Richards et al. 2015 PMID: 25741868, with internal and published modifications).

Labcorp Genetics (formerly Invitae), Labcorp
Classification: Likely benign. Last evaluated: 2026-01-20. Review status: criteria provided, single submitter. Criteria: Invitae Variant Classification Sherloc (09022015). Collection method: clinical testing. Allele origin: germline.

Quest Diagnostics Nichols Institute San Juan Capistrano
Classification: Likely benign. Last evaluated: 2022-10-27. Review status: criteria provided, single submitter. Criteria: Quest Diagnostics criteria. Collection method: clinical testing. Allele origin: unknown.

Sema4
Classification: Likely benign for Hereditary cancer-predisposing syndrome. Last evaluated: 2022-01-06. Review status: criteria provided, single submitter. Criteria: Sema4 Curation Guidelines. Collection method: curation. Allele origin: germline.

GeneDx
Classification: Likely benign. Last evaluated: 2021-06-01. Review status: criteria provided, single submitter. Criteria: GeneDx Variant Classification Process June 2021. Collection method: clinical testing. Allele origin: germline. Affected: yes.

Ambry Genetics
Classification: Likely benign for Hereditary cancer-predisposing syndrome. Last evaluated: 2019-08-19. Review status: criteria provided, single submitter. Criteria: Ambry Variant Classification Scheme 2023. Collection method: clinical testing. Allele origin: germline.

NM_002528.7(NTHL1):c.486C>T (p.Ala162=)

Gene: NTHL1 (nth like DNA glycosylase 1; minus strand). Cytogenetic location: 16p13.3.
Variant type: single nucleotide variant.
Coding change: c.486C>T on transcript NM_002528.7 (MANE Select); coding-DNA position 486, C replaced by T.
Protein change: p.Ala162=; no amino-acid change (alanine 162 retained).
Molecular consequence: synonymous variant. On other transcripts: intron variant (1).
Genome position (GRCh38, 1-based): chr16:2,044,669, G>A on the plus strand (C>T on the coding strand, the complement: NTHL1 is on the minus strand). VCF-style: chr16-2044669-G-A. GRCh37 (hg19) VCF-style: chr16-2094670-G-A.
Other names: c.156C>T, p.Ala52= (NM_001318194.2); c.355-943C>T (NM_001318193.2).
Identifiers: ClinVar variation 758706 (VCV000758706.20), dbSNP rs201515357, ClinGen allele CA7828244.